The following is an entry in ClinVar:

ClinVar aggregate classification (germline): Uncertain significance (1 of 4 stars; one submission).

Conditions:
Schneckenbecken dysplasia. Identifiers: Orphanet 3144, MedGen C0432194, MONDO:0010013, OMIM 269250.

Allele frequency attached by ClinVar (database versions not stated): ExAC 0.00004; gnomAD exomes 0.00004; gnomAD 0.00006 and 0.00007; TOPMed 0.00006; ESP Exome Variant Server 0.00008.
gnomAD v4.1: 81 of 1,449,088 alleles (0.0056%); highest among the groups gnomAD compares: Non-Finnish European, 0.0069%; no homozygotes.

Submission:

Labcorp Genetics (formerly Invitae), Labcorp
Classification: Uncertain significance for Schneckenbecken dysplasia. Last evaluated: 2022-04-25. Review status: criteria provided, single submitter. Criteria: Invitae Variant Classification Sherloc (09022015). Collection method: clinical testing. Allele origin: germline.
Comment: In summary, the available evidence is currently insufficient to determine the role of this variant in disease. Therefore, it has been classified as a Variant of Uncertain Significance. Algorithms developed to predict the effect of missense changes on protein structure and function are either unavailable or do not agree on the potential impact of this missense change (SIFT: "Tolerated"; PolyPhen-2: "Probably Damaging"; Align-GVGD: "Class C0"). This variant has not been reported in the literature in individuals affected with SLC35D1-related conditions. This variant is present in population databases (rs199878087, gnomAD 0.009%). This sequence change replaces isoleucine, which is neutral and non-polar, with valine, which is neutral and non-polar, at codon 319 of the SLC35D1 protein (p.Ile319Val).

NM_015139.3(SLC35D1):c.955A>G (p.Ile319Val)

Gene: SLC35D1 (solute carrier family 35 member D1; minus strand). Cytogenetic location: 1p31.3.
Variant type: single nucleotide variant.
Coding change: c.955A>G on transcript NM_015139.3 (MANE Select); coding-DNA position 955, A replaced by G.
Protein change: p.Ile319Val; replaces isoleucine 319 with valine.
Molecular consequence: missense variant.
Genome position (GRCh38, 1-based): chr1:67,009,089, T>C on the plus strand (A>G on the coding strand, the complement: SLC35D1 is on the minus strand). VCF-style: chr1-67009089-T-C. GRCh37 (hg19) VCF-style: chr1-67474772-T-C.
Other names: short protein forms I319V.
Identifiers: ClinVar variation 1514485 (VCV001514485.7), dbSNP rs199878087, ClinGen allele CA898832.